The following is an entry in ClinVar:

ClinVar aggregate classification (germline): Benign/Likely benign. Review status: criteria provided, multiple submitters, no conflicts (2 of 4 stars). 4 submissions from 4 submitters: Benign (2); Likely benign (1). 1 of the submissions does not count toward it. Last evaluated 2025-04-01.

Conditions:
PTPRT-related disorder. Also called: PTPRT-related condition.

Allele frequency attached by ClinVar (database versions not stated): gnomAD 0.00309 and 0.00295; ESP Exome Variant Server 0.00436; gnomAD exomes 0.00486 and 0.00301; 1000 Genomes Project 0.00100; 1000 Genomes Project 30x 0.00125; ExAC 0.00258; TOPMed 0.00287.
gnomAD v4.1: 7,488 of 1,614,094 alleles (0.46%); highest among the groups gnomAD compares: Non-Finnish European, 0.56%; 23 homozygotes.

Submissions (9):

CeGaT Center for Human Genetics Tuebingen
Classification: Likely benign. Last evaluated: 2025-04-01. Review status: criteria provided, single submitter. Criteria: CeGaT Center For Human Genetics Tuebingen Variant Classification Criteria Version 2. Collection method: clinical testing. Allele origin: germline. Affected: yes. Observed: 2 variant alleles.
Comment: PTPRT: BP4, BS2

Labcorp Genetics (formerly Invitae), Labcorp
Classification: Benign. Last evaluated: 2019-12-31. Review status: criteria provided, single submitter. Criteria: Invitae Variant Classification Sherloc (09022015). Collection method: clinical testing. Allele origin: germline.

Breakthrough Genomics
Classification: Benign. Review status: criteria provided, single submitter. Criteria: ACMG Guidelines, 2015. Collection method: not provided. Allele origin: germline. Inheritance: Unknown mechanism. Affected: yes.

PreventionGenetics, part of Exact Sciences
Classification: Likely benign for PTPRT-related condition. Last evaluated: 2019-03-06. Review status: no assertion criteria provided. Collection method: clinical testing. Allele origin: germline. Not counted in ClinVar's aggregate classification.
Comment: This variant is classified as likely benign based on ACMG/AMP sequence variant interpretation guidelines (Richards et al. 2015 PMID: 25741868, with internal and published modifications).

Dr. Peter K. Rogan Lab, Western University
No classification provided (evidence only). Condition: Thyroid cancer, nonmedullary, 1. Review status: no classification provided. Collection method: in vitro. Allele origin: not applicable. Functional consequence: retained intron. Not counted in ClinVar's aggregate classification.

Dr. Peter K. Rogan Lab, Western University
No classification provided (evidence only). Condition: Sarcoma. Review status: no classification provided. Collection method: in vitro. Allele origin: not applicable. Functional consequence: retained intron. Not counted in ClinVar's aggregate classification.

Dr. Peter K. Rogan Lab, Western University
No classification provided (evidence only). Condition: Ovarian serous cystadenocarcinoma. Review status: no classification provided. Collection method: in vitro. Allele origin: not applicable. Functional consequence: retained intron. Not counted in ClinVar's aggregate classification.

Dr. Peter K. Rogan Lab, Western University
No classification provided (evidence only). Condition: Gastric cancer. Review status: no classification provided. Collection method: in vitro. Allele origin: not applicable. Functional consequence: retained intron. Not counted in ClinVar's aggregate classification.

Dr. Peter K. Rogan Lab, Western University
No classification provided (evidence only). Condition: Malignant tumor of esophagus. Review status: no classification provided. Collection method: in vitro. Allele origin: not applicable. Functional consequence: retained intron. Not counted in ClinVar's aggregate classification.

NM_007050.6(PTPRT):c.645T>A (p.Ala215=)

Gene: PTPRT (protein tyrosine phosphatase receptor type T; minus strand). Cytogenetic location: 20q12.
Variant type: single nucleotide variant.
Coding change: c.645T>A on transcript NM_007050.6 (MANE Select); coding-DNA position 645, T replaced by A.
Protein change: p.Ala215=; no amino-acid change (alanine 215 retained).
Molecular consequence: synonymous variant.
Genome position (GRCh38, 1-based): chr20:42,771,474, A>T on the plus strand (T>A on the coding strand, the complement: PTPRT is on the minus strand). VCF-style: chr20-42771474-A-T. GRCh37 (hg19) VCF-style: chr20-41400114-A-T.
Other names: NC_000020.10:g.41400114A>T; c.645T>A, p.Ala215= (NM_133170.4).
Identifiers: ClinVar variation 711677 (VCV000711677.31), dbSNP rs147839711, ClinGen allele CA9864778.